The following is an entry in ClinVar:

ClinVar aggregate classification (germline): Conflicting classifications of pathogenicity. Review status: criteria provided, conflicting classifications (1 of 4 stars). 3 submissions from 3 submitters: Uncertain significance (2); Likely benign (1). Last evaluated 2025-02-19.

Conditions:
Retinal dystrophy. Also called: Inherited retinal dystrophy. Identifiers: Orphanet 71862, MedGen C0854723, MeSH D058499, MONDO:0019118, HP:0000556.

Allele frequency attached by ClinVar (database versions not stated): TOPMed below 0.00001; gnomAD 0.00001.
gnomAD v4.1: 56 of 1,613,574 alleles (0.0035%); highest among the groups gnomAD compares: East Asian, 0.096%; 1 homozygote.

Submissions (3):

Labcorp Genetics (formerly Invitae), Labcorp
Classification: Uncertain significance. Last evaluated: 2025-02-19. Review status: criteria provided, single submitter. Criteria: Invitae Variant Classification Sherloc (09022015). Collection method: clinical testing. Allele origin: germline.
Comment: This sequence change replaces valine, which is neutral and non-polar, with isoleucine, which is neutral and non-polar, at codon 186 of the PDE6B protein (p.Val186Ile). This variant is present in population databases (rs779085612, gnomAD 0.06%). This variant has not been reported in the literature in individuals affected with PDE6B-related conditions. ClinVar contains an entry for this variant (Variation ID: 2715782). Invitae Evidence Modeling of protein sequence and biophysical properties (such as structural, functional, and spatial information, amino acid conservation, physicochemical variation, residue mobility, and thermodynamic stability) indicates that this missense variant is not expected to disrupt PDE6B protein function with a negative predictive value of 80%. In summary, the available evidence is currently insufficient to determine the role of this variant in disease. Therefore, it has been classified as a Variant of Uncertain Significance.

Blueprint Genetics
Classification: Uncertain significance. Last evaluated: 2024-11-15. Review status: criteria provided, single submitter. Criteria: ACMG Guidelines, 2015. Collection method: clinical testing. Allele origin: germline.

Dept Of Ophthalmology, Nagoya University
Classification: Likely benign for Retinal dystrophy. Last evaluated: 2023-10-01. Review status: criteria provided, single submitter. Criteria: Submitter's publication. Collection method: research. Allele origin: germline. Affected: yes.

NM_000283.4(PDE6B):c.556G>A (p.Val186Ile)

Gene: PDE6B (phosphodiesterase 6B; plus strand). Cytogenetic location: 4p16.3.
Variant type: single nucleotide variant.
Coding change: c.556G>A on transcript NM_000283.4 (MANE Select); coding-DNA position 556, G replaced by A.
Protein change: p.Val186Ile; replaces valine 186 with isoleucine.
Molecular consequence: missense variant.
Genome position (GRCh38, 1-based): chr4:634,764, G>A. VCF-style: chr4-634764-G-A. GRCh37 (hg19) VCF-style: chr4-628553-G-A.
Other names: c.556G>A, p.Val186Ile (NM_001145291.2); short protein forms V186I.
Identifiers: ClinVar variation 2715782 (VCV002715782.5), dbSNP rs779085612, ClinGen allele CA2793994.